The following is an entry in ClinVar:

ClinVar aggregate classification (germline): Uncertain significance (1 of 4 stars; one submission).

Conditions:
Epidermolysis bullosa simplex 5B, with muscular dystrophy (EBS5B). Also called: Epidermolysis bullosa simplex with muscular dystrophy; EPIDERMOLYSIS BULLOSA SIMPLEX AND LIMB-GIRDLE MUSCULAR DYSTROPHY. Identifiers: Orphanet 257, MedGen C2931072, MONDO:0009181, OMIM 226670.
Epidermolysis bullosa simplex 5C, with pyloric atresia (EBS5C). Also called: PLEC1-Related Epidermolysis Bullosa with Pyloric Atresia; PLEC-Related Epidermolysis Bullosa with Pyloric Atresia; Epidermolysis bullosa simplex with pyloric atresia. Identifiers: Orphanet 158684, MedGen C2677349, MONDO:0012807, OMIM 612138.
Autosomal recessive limb-girdle muscular dystrophy type 2Q (LGMDR17). Also called: MUSCULAR DYSTROPHY, LIMB-GIRDLE, AUTOSOMAL RECESSIVE 17. Identifiers: Orphanet 254361, MedGen C3150989, MONDO:0013390, OMIM 613723.
Epidermolysis bullosa simplex, Ogna type (EBS5A). Also called: Pidermolysis bullosa simplex 5A, Ogna type; EPIDERMOLYSIS BULLOSA SIMPLEX 5A, OGNA TYPE. Identifiers: Orphanet 79401, MedGen C0432317, MONDO:0007555, OMIM 131950.
Epidermolysis bullosa simplex with nail dystrophy (EBS5D). Identifiers: MedGen C4225309, MONDO:0014661, OMIM 616487.

Allele frequency attached by ClinVar (database versions not stated): TOPMed below 0.00001; gnomAD 0.00001; gnomAD exomes 0.00001; ExAC 0.00002.
gnomAD v4.1: 19 of 1,612,146 alleles (0.0012%); highest among the groups gnomAD compares: Middle Eastern, 0.016%; no homozygotes.

Submission:

Labcorp Genetics (formerly Invitae), Labcorp
Classification: Uncertain significance for Autosomal recessive limb-girdle muscular dystrophy type 2Q; Epidermolysis bullosa simplex, Ogna type; Epidermolysis bullosa simplex with nail dystrophy; Epidermolysis bullosa simplex 5C, with pyloric atresia; Epidermolysis bullosa simplex 5B, with muscular dystrophy. Last evaluated: 2025-12-23. Review status: criteria provided, single submitter. Criteria: Invitae Variant Classification Sherloc (09022015). Collection method: clinical testing. Allele origin: germline.
Comment: This sequence change replaces aspartic acid, which is acidic and polar, with asparagine, which is neutral and polar, at codon 4242 of the PLEC protein (p.Asp4242Asn). This variant is present in population databases (rs782345860, gnomAD 0.006%). This variant has not been reported in the literature in individuals affected with PLEC-related conditions. ClinVar contains an entry for this variant (Variation ID: 1389057). Invitae Evidence Modeling of protein sequence and biophysical properties (such as structural, functional, and spatial information, amino acid conservation, physicochemical variation, residue mobility, and thermodynamic stability) indicates that this missense variant is not expected to disrupt PLEC protein function with a negative predictive value of 80%. In summary, the available evidence is currently insufficient to determine the role of this variant in disease. Therefore, it has been classified as a Variant of Uncertain Significance.

NM_201384.3(PLEC):c.12643G>A (p.Asp4215Asn)

Gene: PLEC (plectin; minus strand). Cytogenetic location: 8q24.3.
Variant type: single nucleotide variant.
Coding change: c.12643G>A on transcript NM_201384.3 (MANE Select); coding-DNA position 12643, G replaced by A.
Protein change: p.Asp4215Asn; replaces aspartic acid 4215 with asparagine.
Molecular consequence: missense variant.
Genome position (GRCh38, 1-based): chr8:143,917,178, C>T on the plus strand (G>A on the coding strand, the complement: PLEC is on the minus strand). VCF-style: chr8-143917178-C-T. GRCh37 (hg19) VCF-style: chr8-144991346-C-T.
Other names: c.12724G>A, p.Asp4242Asn (NM_000445.5); c.12601G>A, p.Asp4201Asn (NM_201378.4); c.12577G>A, p.Asp4193Asn (NM_201379.3); c.13054G>A, p.Asp4352Asn (NM_201380.4); c.12547G>A, p.Asp4183Asn (NM_201381.3); c.12643G>A, p.Asp4215Asn (NM_201382.4); c.12655G>A, p.Asp4219Asn (NM_201383.3); short protein forms D4219N, D4183N, D4193N, D4201N, D4215N, D4242N, D4352N.
Identifiers: ClinVar variation 1389057 (VCV001389057.8), dbSNP rs782345860, ClinGen allele CA4924031.